The following is an entry in ClinVar:

NM_000059.4(BRCA2):c.4921G>A (p.Glu1641Lys)

Gene: BRCA2 (BRCA2 DNA repair associated; plus strand). Cytogenetic location: 13q13.1.
Variant type: single nucleotide variant.
Coding change: c.4921G>A on transcript NM_000059.4 (MANE Select); coding-DNA position 4921, G replaced by A.
Protein change: p.Glu1641Lys; replaces glutamic acid 1641 with lysine.
Molecular consequence: missense variant. On other transcripts: non-coding transcript variant (1), intron variant (2).
Genome position (GRCh38, 1-based): chr13:32,339,276, G>A. VCF-style: chr13-32339276-G-A. GRCh37 (hg19) VCF-style: chr13-32913413-G-A.
Other names: c.4921G>A, p.Glu1641Lys (NM_001406719.1, NM_001406720.1, NM_001432077.1); c.1910-5282G>A (NM_001406721.1); c.425-5282G>A (NM_001406722.1); short protein forms E1641K.
Identifiers: ClinVar variation 5033316 (VCV005033316.1).
Genomic context (GRCh38, chr13:32,339,276, plus strand): 5'-TGTAGACAAACTGAAAATCTCAAAACATCAAAAAGTATCTTTTTGAAAGTTAAAGTACAT[G>A]AAAATGTAGAAAAAGAAACAGCAAAAAGTCCTGCAACTTGTTACACAAATCAGTCCCCTT-3'
Protein context (NP_000050.3, residues 1631-1651): KSIFLKVKVH[Glu1641Lys]NVEKETAKSP

ClinVar aggregate classification (germline): Uncertain significance (1 of 4 stars; one submission).

Conditions:
Hereditary cancer-predisposing syndrome. Also called: Neoplastic Syndromes, Hereditary; Tumor predisposition; Hereditary neoplastic syndrome; Hereditary Cancer Syndrome. Identifiers: Orphanet 140162, MedGen C0027672, MeSH D009386, MONDO:0015356.

Submission:

Ambry Genetics
Classification: Uncertain significance for Hereditary cancer-predisposing syndrome. Last evaluated: 2026-07-22. Review status: criteria provided, single submitter. Criteria: Ambry Variant Classification Scheme 2023. Collection method: clinical testing. Allele origin: germline.
Comment: The p.E1641K variant (also known as c.4921G>A), located in coding exon 10 of the BRCA2 gene, results from a G to A substitution at nucleotide position 4921. The glutamic acid at codon 1641 is replaced by lysine, an amino acid with similar properties. This amino acid position is not well conserved in available vertebrate species. In addition, this alteration is predicted to be tolerated by in silico analysis. Based on the available evidence, the clinical significance of this variant remains unclear.